The following is an entry in ClinVar:

ClinVar aggregate classification (germline): Uncertain significance. Review status: criteria provided, single submitter (1 of 4 stars). 2 submissions from 2 submitters: Uncertain significance (1). 1 of the submissions does not count toward it. Last evaluated 2023-01-21.

Conditions:
Cataract 1 multiple types. Also called: CATARACT 1, POSTERIOR SUBCAPSULAR, WITH MICROCORNEA; CATARACT 1, STELLATE NUCLEAR, WITH MICROCORNEA; CATARACT 1, MULTIPLE TYPES, WITH OR WITHOUT MICROCORNEA; CATARACT 1, NUCLEAR PROGRESSIVE; CATARACT 1 WITH MICROCORNEA; CATARACT, DUFFY-LINKED. Identifiers: Orphanet 1377, MedGen C1861828, MONDO:0007285, OMIM 116200.
Developmental cataract. Also called: Bilateral cataracts; Congenital cataract; Congenital cataracts. Identifiers: MedGen C0009691, HP:0000519.

Allele frequency attached by ClinVar (database versions not stated): gnomAD exomes 0.00001.

Submissions (2):

Dept. Genetics and Cancer, Menzies Institute for Medical Research, University of Tasmania
Classification: Uncertain significance for Cataract 1 multiple types. Last evaluated: 2023-01-21. Review status: criteria provided, single submitter. Criteria: ACMG Guidelines, 2015. Collection method: curation. Allele origin: germline. Affected: yes.
Comment: Variant identified and curated during a GJA8 specific review of the literature in relation to pediatric or congenital cataract. ACMG-AMP criteria applied: PM2(Supporting), PP3. Original variant report: PMID:28839118. The cataract phenotype reported for this variant is: Nuclear or posterior polar. Gene review and curation guidelines are outlined in: DOI 10.1080/17469899.2023.2160320

Department of Ophthalmology, Flinders University
Classification: Pathogenic for Developmental cataract. Last evaluated: 2016-07-29. Review status: no assertion criteria provided. Collection method: clinical testing. Allele origin: inherited. Affected: yes. Not counted in ClinVar's aggregate classification.

Literature cited by the submitters: PubMed 28839118 (cited by Dept. Genetics and Cancer, Menzies Institute for Medical Research, University of Tasmania).

NM_005267.5(GJA8):c.484G>A (p.Glu162Lys)

Gene: GJA8 (gap junction protein alpha 8; plus strand). Cytogenetic location: 1q21.2.
Variant type: single nucleotide variant.
Coding change: c.484G>A on transcript NM_005267.5 (MANE Select); coding-DNA position 484, G replaced by A.
Protein change: p.Glu162Lys; replaces glutamic acid 162 with lysine.
Molecular consequence: missense variant.
Genome position (GRCh38, 1-based): chr1:147,908,439, G>A. VCF-style: chr1-147908439-G-A. GRCh37 (hg19) VCF-style: chr1-147380566-G-A.
Other names: short protein forms E162K.
Identifiers: ClinVar variation 252947 (VCV000252947.2), dbSNP rs1114167310, ClinGen allele CA16609302.